The following is an entry in ClinVar:

NM_006767.4(LZTR1):c.980G>A (p.Ser327Asn)

Gene: LZTR1 (leucine zipper like post translational regulator 1; plus strand). Cytogenetic location: 22q11.21.
Variant type: single nucleotide variant.
Coding change: c.980G>A on transcript NM_006767.4 (MANE Select); coding-DNA position 980, G replaced by A.
Protein change: p.Ser327Asn; replaces serine 327 with asparagine.
Molecular consequence: missense variant.
Genome position (GRCh38, 1-based): chr22:20,991,816, G>A. VCF-style: chr22-20991816-G-A. GRCh37 (hg19) VCF-style: chr22-21346105-G-A.
Other names: c.980G>A (NM_006767.3); short protein forms S327N.
Identifiers: ClinVar variation 2172822 (VCV002172822.8), dbSNP rs1478205181, ClinGen allele CA410781632.

ClinVar aggregate classification (germline): Uncertain significance. Review status: criteria provided, multiple submitters, no conflicts (2 of 4 stars). 3 submissions from 3 submitters: Uncertain significance (3). Last evaluated 2025-12-14.

Conditions:
Cardiovascular phenotype. Identifiers: MedGen CN230736.
Hereditary cancer-predisposing syndrome. Also called: Tumor predisposition; Hereditary neoplastic syndrome; Neoplastic Syndromes, Hereditary; Hereditary Cancer Syndrome. Identifiers: Orphanet 140162, MedGen C0027672, MeSH D009386, MONDO:0015356.

Allele frequency attached by ClinVar (database versions not stated): TOPMed below 0.00001; gnomAD exomes 0.00001.
gnomAD v4.1: 7 of 1,549,810 alleles (0.00045%); highest among the groups gnomAD compares: Non-Finnish European, 0.00061%; no homozygotes.

Submissions (3):

Labcorp Genetics (formerly Invitae), Labcorp
Classification: Uncertain significance. Last evaluated: 2025-12-14. Review status: criteria provided, single submitter. Criteria: Invitae Variant Classification Sherloc (09022015). Collection method: clinical testing. Allele origin: germline.
Comment: This sequence change replaces serine, which is neutral and polar, with asparagine, which is neutral and polar, at codon 327 of the LZTR1 protein (p.Ser327Asn). This variant is not present in population databases (gnomAD no frequency). This variant has not been reported in the literature in individuals affected with LZTR1-related conditions. ClinVar contains an entry for this variant (Variation ID: 2172822). Invitae Evidence Modeling of protein sequence and biophysical properties (such as structural, functional, and spatial information, amino acid conservation, physicochemical variation, residue mobility, and thermodynamic stability) indicates that this missense variant is not expected to disrupt LZTR1 protein function with a negative predictive value of 80%. In summary, the available evidence is currently insufficient to determine the role of this variant in disease. Therefore, it has been classified as a Variant of Uncertain Significance.

Ambry Genetics
Classification: Uncertain significance for Cardiovascular phenotype; Hereditary cancer-predisposing syndrome. Last evaluated: 2025-08-20. Review status: criteria provided, single submitter. Criteria: Ambry Variant Classification Scheme 2023. Collection method: clinical testing. Allele origin: germline.

GeneDx
Classification: Uncertain significance. Last evaluated: 2023-10-26. Review status: criteria provided, single submitter. Criteria: GeneDx Variant Classification Process June 2021. Collection method: clinical testing. Allele origin: germline. Affected: yes.
Comment: Not observed at significant frequency in large population cohorts (gnomAD); In silico analysis supports that this missense variant does not alter protein structure/function; Has not been previously published as pathogenic or benign to our knowledge